The following is an entry in ClinVar:

NM_003183.6(ADAM17):c.*75G>A

Genes: ADAM17 (ADAM metallopeptidase domain 17; minus strand), IAH1 (isoamyl acetate hydrolyzing esterase 1 (putative); plus strand). Cytogenetic location: 2p25.1.
Variant type: single nucleotide variant.
Coding change: c.*75G>A on transcript NM_003183.6 (MANE Select); 75 bases downstream of the stop codon, G replaced by A.
Molecular consequence: 3 prime UTR variant.
Genome position (GRCh38, 1-based): chr2:9,490,102, C>T on the plus strand (G>A on the coding strand, the complement: ADAM17 is on the minus strand). VCF-style: chr2-9490102-C-T. GRCh37 (hg19) VCF-style: chr2-9630231-C-T.
Other names: c.*75G>A (NM_001382777.1, NM_001382778.1).
Identifiers: ClinVar variation 1188895 (VCV001188895.6), dbSNP rs6705408, ClinGen allele CA15150530.
Genomic context (GRCh38, chr2:9,490,102, plus strand): 5'-GCAGGAAGTTCAAACACATGACCAGCATCTGCTAAGTCACTTCCCAGTCTTCACAAAATA[C>T]AAGCTGTGATTGATTTGTAGGTCAAATCTATAAAAATATTTTGCACACTTAAGTCAGAAG-3'

ClinVar aggregate classification (germline): Benign. Review status: criteria provided, multiple submitters, no conflicts (2 of 4 stars). 4 submissions from 4 submitters: Benign (4). Last evaluated 2023-11-12.

Conditions:
Inflammatory skin and bowel disease, neonatal, 1. Identifiers: Orphanet 294023, MedGen C3280501, MONDO:0013693, OMIM 614328.

Allele frequency attached by ClinVar (database versions not stated): 1000 Genomes Project 0.46066; 1000 Genomes Project 30x 0.47127; gnomAD exomes 0.56692; gnomAD 0.58011 and 0.59493; TOPMed 0.58278.
gnomAD v4.1: 769,745 of 1,353,458 alleles (57%); highest among the groups gnomAD compares: African/African-American, 71%; 228,161 homozygotes.

Submissions (4):

Unidad de Genómica Garrahan, Hospital de Pediatría Garrahan
Classification: Benign. Last evaluated: 2023-11-12. Review status: criteria provided, single submitter. Criteria: ACMG Guidelines, 2015. Collection method: clinical testing. Allele origin: germline. Affected: no. Observed: 55 variant alleles.
Comment: This variant is classified as Benign based on local population frequency. This variant was detected in 57% of patients studied by a panel of primary immunodeficiencies. Number of patients: 55. Only high quality variants are reported.

Genome-Nilou Lab
Classification: Benign for Inflammatory skin and bowel disease, neonatal, 1. Last evaluated: 2021-07-14. Review status: criteria provided, single submitter. Criteria: ACMG Guidelines, 2015. Collection method: clinical testing. Allele origin: germline. Affected: no.

GeneDx
Classification: Benign. Last evaluated: 2021-06-18. Review status: criteria provided, single submitter. Criteria: GeneDx Variant Classification Process June 2021. Collection method: clinical testing. Allele origin: germline. Affected: yes.

Breakthrough Genomics
Classification: Benign. Review status: criteria provided, single submitter. Criteria: ACMG Guidelines, 2015. Collection method: not provided. Allele origin: germline. Inheritance: Autosomal recessive inheritance. Affected: yes.